The following is an entry in ClinVar:

ClinVar aggregate classification (germline): Pathogenic. Review status: criteria provided, multiple submitters, no conflicts (2 of 4 stars). 7 submissions from 7 submitters: Pathogenic (6). 1 of the submissions does not count toward it. Last evaluated 2026-03-01.

Conditions:
PAH-related disorder. Also called: PAH-related condition.
Phenylketonuria (PKU). Also called: FOLLING DISEASE; Phenylketonurias; OLIGOPHRENIA PHENYLPYRUVICA; Phenylketonuria (PKU). Identifiers: Orphanet 716, MedGen C0031485, MONDO:0009861, OMIM 261600. Disease mechanism: loss of function.

Allele frequency attached by ClinVar (database versions not stated): TOPMed below 0.00001; ExAC 0.00001; gnomAD 0.00001; gnomAD exomes 0.00001.
gnomAD v4.1: 23 of 1,613,658 alleles (0.0014%); highest among the groups gnomAD compares: Non-Finnish European, 0.0019%; no homozygotes.

Submissions (7):

CeGaT Center for Human Genetics Tuebingen
Classification: Pathogenic. Last evaluated: 2026-03-01. Review status: criteria provided, single submitter. Criteria: CeGaT Center For Human Genetics Tuebingen Variant Classification Criteria Version 2. Collection method: clinical testing. Allele origin: germline. Affected: yes. Observed: 2 variant alleles.
Comment: PAH: PM3:Very Strong, PM2, PM5, PP4:Moderate, PS3:Supporting

Natera, Inc.
Classification: Pathogenic for Phenylketonuria. Last evaluated: 2025-02-12. Review status: criteria provided, single submitter. Criteria: Natera Variant Classification Schema (03/2026). Collection method: clinical testing. Allele origin: germline.
Comment: The c.1340C>A variant in PAH is a missense variant predicted to cause substitution of alanine to aspartic acid at amino acid 447. This variant is rare in the general population with a frequency below the threshold expected for the associated phenotype(s). This variant has been observed in one or more individuals affected with the associated recessive disease, as either homozygous or compound heterozygous with a second variant (PMID: 8659548, 23430918, 32668217). A different variant at the same position has been determined to be Pathogenic or Likely Pathogenic. Computational prediction algorithms indicate this variant is likely to affect gene or protein function. Given the available evidence, this variant is classified as Pathogenic.

Labcorp Genetics (formerly Invitae), Labcorp
Classification: Pathogenic for Phenylketonuria. Last evaluated: 2023-11-06. Review status: criteria provided, single submitter. Criteria: Invitae Variant Classification Sherloc (09022015). Collection method: clinical testing. Allele origin: germline.
Comment: This sequence change replaces alanine, which is neutral and non-polar, with aspartic acid, which is acidic and polar, at codon 447 of the PAH protein (p.Ala447Asp). This variant is present in population databases (rs76542238, gnomAD 0.002%). This missense change has been observed in individual(s) with hyperphenylalaninaemia or phenylketonuria (PMID: 10429004, 12173030). ClinVar contains an entry for this variant (Variation ID: 102595). Advanced modeling of protein sequence and biophysical properties (such as structural, functional, and spatial information, amino acid conservation, physicochemical variation, residue mobility, and thermodynamic stability) performed at Invitae indicates that this missense variant is expected to disrupt PAH protein function with a positive predictive value of 80%. Experimental studies have shown that this missense change affects PAH function (PMID: 9540801). For these reasons, this variant has been classified as Pathogenic.

PreventionGenetics, part of Exact Sciences
Classification: Pathogenic for PAH-related condition. Last evaluated: 2023-08-28. Review status: criteria provided, single submitter. Criteria: ACMG Guidelines, 2015. Collection method: clinical testing. Allele origin: germline.
Comment: The PAH c.1340C>A variant is predicted to result in the amino acid substitution p.Ala447Asp. This variant has been reported in multiple individuals with phenylalanine hydroxylase deficiency (Guldberg et al. 1996. PubMed ID: 8659548; Table S3 in Hillert et al. 2020. PubMed ID: 32668217). In an experimental study, substitution of the homologous amino acid in the rat PAH protein [A(447)D] was reported to affect enzyme function (Hufton et al. 1998. PubMed ID: 9540801). An alternate substitution of the same amino acid (p.Ala447Pro) has also been reported in affected individuals (for example, see Table S3 in Hillert et al. 2020. PubMed ID: 32668217). This variant is reported in 0.0023% of alleles in individuals of European (Non-Finnish) descent in gnomAD. In summary, this variant is interpreted as pathogenic.

GeneDx
Classification: Pathogenic. Last evaluated: 2022-07-21. Review status: criteria provided, single submitter. Criteria: GeneDx Variant Classification Process June 2021. Collection method: clinical testing. Allele origin: germline. Affected: yes.
Comment: Reported as not associated with tetrahydrobiopterin (BH4) therapy responsiveness (Sarkissian et al., 2012); In silico analysis supports that this missense variant has a deleterious effect on protein structure/function; Not observed at a significant frequency in large population cohorts (gnomAD); This variant is associated with the following publications: (PMID: 10980574, 12655553, 23430918, 8659548, 10429004, 9540801, 27535533, 32668217, 7893121, 12173030)

Women's Health and Genetics/Laboratory Corporation of America, LabCorp
Classification: Pathogenic for Phenylketonuria. Last evaluated: 2019-09-17. Review status: criteria provided, single submitter. Criteria: LabCorp Variant Classification Summary - May 2015. Collection method: clinical testing. Allele origin: germline.
Comment: Variant summary: PAH c.1340C>A (p.Ala447Asp) results in a non-conservative amino acid change located in the oligomerization domain (Hufton_1998). Five of five in-silico tools predict a damaging effect of the variant on protein function. The variant allele was found at a frequency of 8e-06 in 251166 control chromosomes (gnomAD). The variant, c.1340C>A, has been reported in the literature in multiple individuals affected with Phenylalanine Hydroxylase Deficiency (Phenylketonuria) (Guldberg_1996, O'Donnell_2002). These data indicate that the variant is very likely to be associated with disease. At least one publication reported experimental evidence evaluating an impact on protein function, and reported that the variant decreases subunit assembly, resulting in compromised enzyme activity (Hufton_1998). Two other clinical diagnostic laboratories have submitted clinical-significance assessments for this variant to ClinVar after 2014 without evidence for independent evaluation, and both of them classified the variant as pathogenic. Based on the evidence outlined above, the variant was classified as pathogenic.

DeBelle Laboratory for Biochemical Genetics, MUHC/MCH RESEARCH INSTITUTE
No classification provided. Review status: no classification provided. Collection method: not provided. Allele origin: not provided. Not counted in ClinVar's aggregate classification.

Literature cited by the submitters: PubMed 8659548 (cited by Natera, Inc. and Women's Health and Genetics/Laboratory Corporation of America, LabCorp); PubMed 23430918 (cited by Natera, Inc.); PubMed 32668217 (cited by Natera, Inc.); PubMed 10429004 (cited by Labcorp Genetics (formerly Invitae), Labcorp and Women's Health and Genetics/Laboratory Corporation of America, LabCorp); PubMed 12173030 (cited by Labcorp Genetics (formerly Invitae), Labcorp and Women's Health and Genetics/Laboratory Corporation of America, LabCorp); PubMed 9540801 (cited by Labcorp Genetics (formerly Invitae), Labcorp and Women's Health and Genetics/Laboratory Corporation of America, LabCorp).

NM_000277.3(PAH):c.1340C>A (p.Ala447Asp)

Gene: PAH (phenylalanine hydroxylase; minus strand). Cytogenetic location: 12q23.2.
Variant type: single nucleotide variant.
Coding change: c.1340C>A on transcript NM_000277.3 (MANE Select); coding-DNA position 1340, C replaced by A.
Protein change: p.Ala447Asp; replaces alanine 447 with aspartic acid.
Molecular consequence: missense variant.
Genome position (GRCh38, 1-based): chr12:102,839,194, G>T on the plus strand (C>A on the coding strand, the complement: PAH is on the minus strand). VCF-style: chr12-102839194-G-T. GRCh37 (hg19) VCF-style: chr12-103232972-G-T.
Other names: c.1340C>A, p.Ala447Asp (NM_001354304.2); c.1340C>A (NM_000277.2); short protein forms A447D.
Identifiers: ClinVar variation 102595 (VCV000102595.42), dbSNP rs76542238, ClinGen allele CA229437.